The following is an entry in ClinVar:

NM_005502.4(ABCA1):c.5655A>G (p.Leu1885=)

Gene: ABCA1 (ATP binding cassette subfamily A member 1; minus strand). Cytogenetic location: 9q31.1.
Variant type: single nucleotide variant.
Coding change: c.5655A>G on transcript NM_005502.4 (MANE Select); coding-DNA position 5655, A replaced by G.
Protein change: p.Leu1885=; no amino-acid change (leucine 1885 retained).
Molecular consequence: synonymous variant.
Genome position (GRCh38, 1-based): chr9:104,792,888, T>C on the plus strand (A>G on the coding strand, the complement: ABCA1 is on the minus strand). VCF-style: chr9-104792888-T-C. GRCh37 (hg19) VCF-style: chr9-107555169-T-C.
Identifiers: ClinVar variation 1748887 (VCV001748887.8), dbSNP rs773178202, ClinGen allele CA5167765.
Genomic context (GRCh38, chr9:104,792,888, plus strand): 5'-ACCATCAAGAATTCTCTGTCTTTCCCGCCTCACATCTTCATCTTCATCATTCAGAGGAGA[T>C]AGCTTTGCATTTACAGGTCTTGGGGGAAAAAACAAGAAAAATGAACCTTTCAAACTATTT-3'
Protein context (NP_005493.2, residues 1875-1895): FIRPRPVNAK[Leu1885=]SPLNDEDEDV

ClinVar aggregate classification (germline): Likely benign. Review status: criteria provided, multiple submitters, no conflicts (2 of 4 stars). 4 submissions from 4 submitters: Likely benign (3). 1 of the submissions does not count toward it. Last evaluated 2026-01-27.

Conditions:
Cardiovascular phenotype. Identifiers: MedGen CN230736.
ABCA1-related disorder. Also called: ABCA1-related condition; ABCA1-related disorders. Identifiers: MedGen CN239173.

Allele frequency attached by ClinVar (database versions not stated): ExAC 0.00004; TOPMed 0.00013; gnomAD 0.00015.
gnomAD v4.1: 65 of 1,614,046 alleles (0.004%); highest among the groups gnomAD compares: African/African-American, 0.041%; no homozygotes.

Submissions (4):

Labcorp Genetics (formerly Invitae), Labcorp
Classification: Likely benign. Last evaluated: 2026-01-27. Review status: criteria provided, single submitter. Criteria: Invitae Variant Classification Sherloc (09022015). Collection method: clinical testing. Allele origin: germline.

Women's Health and Genetics/Laboratory Corporation of America, LabCorp
Classification: Likely benign. Last evaluated: 2023-08-06. Review status: criteria provided, single submitter. Criteria: LabCorp Variant Classification Summary - May 2015. Collection method: clinical testing. Allele origin: germline.

Ambry Genetics
Classification: Likely benign for Cardiovascular phenotype. Last evaluated: 2022-07-14. Review status: criteria provided, single submitter. Criteria: Ambry Variant Classification Scheme 2023. Collection method: clinical testing. Allele origin: germline.

PreventionGenetics, part of Exact Sciences
Classification: Likely benign for ABCA1-related condition. Last evaluated: 2019-05-02. Review status: no assertion criteria provided. Collection method: clinical testing. Allele origin: germline. Not counted in ClinVar's aggregate classification.
Comment: This variant is classified as likely benign based on ACMG/AMP sequence variant interpretation guidelines (Richards et al. 2015 PMID: 25741868, with internal and published modifications).